The following is an entry in ClinVar:

ClinVar aggregate classification (germline): Uncertain significance (1 of 4 stars; one submission).

Conditions:
Hereditary cancer-predisposing syndrome. Also called: Neoplastic Syndromes, Hereditary; Tumor predisposition; Hereditary Cancer Syndrome; Hereditary neoplastic syndrome. Identifiers: Orphanet 140162, MedGen C0027672, MeSH D009386, MONDO:0015356.

Submission:

Ambry Genetics
Classification: Uncertain significance for Hereditary cancer-predisposing syndrome. Last evaluated: 2020-03-04. Review status: criteria provided, single submitter. Criteria: Ambry Variant Classification Scheme 2023. Collection method: clinical testing. Allele origin: germline.
Comment: The p.V241F variant (also known as c.721G>T), located in coding exon 7 of the MRE11A gene, results from a G to T substitution at nucleotide position 721. The valine at codon 241 is replaced by phenylalanine, an amino acid with highly similar properties. This amino acid position is highly conserved in available vertebrate species. In addition, this alteration is predicted to be deleterious by in silico analysis. Since supporting evidence is limited at this time, the clinical significance of this alteration remains unclear.

NM_005591.4(MRE11):c.721G>T (p.Val241Phe)

Gene: MRE11 (MRE11 double strand break repair nuclease; minus strand). Cytogenetic location: 11q21.
Variant type: single nucleotide variant.
Coding change: c.721G>T on transcript NM_005591.4 (MANE Select); coding-DNA position 721, G replaced by T.
Protein change: p.Val241Phe; replaces valine 241 with phenylalanine.
Molecular consequence: missense variant.
Genome position (GRCh38, 1-based): chr11:94,471,698, C>A on the plus strand (G>T on the coding strand, the complement: MRE11 is on the minus strand). VCF-style: chr11-94471698-C-A. GRCh37 (hg19) VCF-style: chr11-94204864-C-A.
Other names: c.721G>T, p.Val241Phe (NM_001330347.2, NM_005590.4); short protein forms V241F.
Identifiers: ClinVar variation 1800261 (VCV001800261.2), dbSNP rs1946718176, ClinGen allele CA382375825.